The following is an entry in ClinVar:

NM_001298.3(CNGA3):c.626C>T (p.Ser209Leu)

Gene: CNGA3 (cyclic nucleotide gated channel subunit alpha 3; plus strand). Cytogenetic location: 2q11.2.
Variant type: single nucleotide variant.
Coding change: c.626C>T on transcript NM_001298.3 (MANE Select); coding-DNA position 626, C replaced by T.
Protein change: p.Ser209Leu; replaces serine 209 with leucine.
Molecular consequence: missense variant.
Genome position (GRCh38, 1-based): chr2:98,391,923, C>T. VCF-style: chr2-98391923-C-T. GRCh37 (hg19) VCF-style: chr2-99008386-C-T.
Other names: c.572C>T, p.Ser191Leu (NM_001079878.2); short protein forms S191L, S209L.
Identifiers: ClinVar variation 834166 (VCV000834166.12), dbSNP rs533596832, ClinGen allele CA1793828.

ClinVar aggregate classification (germline): Conflicting classifications of pathogenicity. Review status: criteria provided, conflicting classifications (1 of 4 stars). 3 submissions from 3 submitters: Uncertain significance (1); Benign (1); Likely benign (1). Last evaluated 2025-11-06.

Conditions:
CNGA3-related disorder. Also called: CNGA3-related condition.

Allele frequency attached by ClinVar (database versions not stated): gnomAD 0.00002 and 0.00005; TOPMed 0.00002; ExAC 0.00031; 1000 Genomes Project 0.00040; 1000 Genomes Project 30x 0.00047.
gnomAD v4.1: 141 of 1,614,132 alleles (0.0087%); highest among the groups gnomAD compares: South Asian, 0.13%; 1 homozygote.

Submissions (3):

PreventionGenetics, part of Exact Sciences
Classification: Uncertain significance for CNGA3-related condition. Last evaluated: 2025-11-06. Review status: criteria provided, single submitter. Criteria: ACMG Guidelines, 2015. Collection method: clinical testing. Allele origin: germline.
Comment: The CNGA3 c.626C>T variant is predicted to result in the amino acid substitution p.Ser209Leu. To our knowledge, this variant has not been reported in the literature. This variant is reported in 0.14% of alleles in individuals of South Asian descent in gnomAD, which may be too frequent to be a primary cause of disease. Although we suspect that this variant may be benign, at this time, the clinical significance of this variant is uncertain due to the absence of conclusive functional and genetic evidence.

Labcorp Genetics (formerly Invitae), Labcorp
Classification: Likely benign. Last evaluated: 2025-08-21. Review status: criteria provided, single submitter. Criteria: Invitae Variant Classification Sherloc (09022015). Collection method: clinical testing. Allele origin: germline.

Blueprint Genetics
Classification: Benign. Last evaluated: 2024-10-18. Review status: criteria provided, single submitter. Criteria: ACMG Guidelines, 2015. Collection method: clinical testing. Allele origin: germline.